The following is an entry in ClinVar:

NM_002295.6(RPSA):c.794-7T>G

Gene: RPSA (ribosomal protein SA; plus strand). Cytogenetic location: 3p22.1.
Variant type: single nucleotide variant.
Coding change: c.794-7T>G on transcript NM_002295.6 (MANE Select); 7 bases into the intron before coding-DNA position 794, T replaced by G.
Molecular consequence: intron variant.
Genome position (GRCh38, 1-based): chr3:39,412,267, T>G. VCF-style: chr3-39412267-T-G. GRCh37 (hg19) VCF-style: chr3-39453758-T-G.
Other names: c.809-7T>G (NM_001304288.2).
Identifiers: ClinVar variation 3662287 (VCV003662287.2).
Genomic context (GRCh38, chr3:39,412,267, plus strand): 5'-AGTGGGGTAAGGAAAAATACTACATTGAGGACAGAGCTGATGGCTTTTTTTGGTATTCTC[T>G]TAACAGAAGACTGGAGCGCTCAGCCTGCCACGGAAGACTGGTCTGCAGCTCCCACTGCTC-3'

ClinVar aggregate classification (germline): Uncertain significance (1 of 4 stars; one submission).

Submission:

Labcorp Genetics (formerly Invitae), Labcorp
Classification: Uncertain significance. Last evaluated: 2024-08-13. Review status: criteria provided, single submitter. Criteria: Invitae Variant Classification Sherloc (09022015). Collection method: clinical testing. Allele origin: germline.
Comment: This sequence change falls in intron 6 of the RPSA gene. It does not directly change the encoded amino acid sequence of the RPSA protein. This variant is present in population databases (no rsID available, gnomAD 0.003%). This variant has not been reported in the literature in individuals affected with RPSA-related conditions. Algorithms developed to predict the effect of sequence changes on RNA splicing suggest that this variant may disrupt the consensus splice site. In summary, the available evidence is currently insufficient to determine the role of this variant in disease. Therefore, it has been classified as a Variant of Uncertain Significance.